The following is an entry in ClinVar:

ClinVar aggregate classification (germline): Uncertain significance (1 of 4 stars; one submission).

Conditions:
Ciliary dyskinesia, primary, 37 (CILD37). Also called: CILIARY DYSKINESIA, PRIMARY, 37, WITH OR WITHOUT SITUS INVERSUS. Identifiers: MedGen C4539798, MONDO:0033204, OMIM 617577.
Spermatogenic failure 18. Identifiers: MedGen C4539783, MONDO:0054615, OMIM 617576.

Allele frequency attached by ClinVar (database versions not stated): ExAC 0.00002; TOPMed 0.00002; gnomAD 0.00003.

Submission:

Labcorp Genetics (formerly Invitae), Labcorp
Classification: Uncertain significance for Ciliary dyskinesia, primary, 37; Spermatogenic failure 18. Last evaluated: 2022-10-16. Review status: criteria provided, single submitter. Criteria: Invitae Variant Classification Sherloc (09022015). Collection method: clinical testing. Allele origin: germline.
Comment: This sequence change replaces lysine, which is basic and polar, with glutamic acid, which is acidic and polar, at codon 937 of the DNAH1 protein (p.Lys937Glu). The frequency data for this variant in the population databases is considered unreliable, as metrics indicate poor data quality at this position in the gnomAD database. This variant has not been reported in the literature in individuals affected with DNAH1-related conditions. Advanced modeling of protein sequence and biophysical properties (such as structural, functional, and spatial information, amino acid conservation, physicochemical variation, residue mobility, and thermodynamic stability) performed at Invitae indicates that this missense variant is not expected to disrupt DNAH1 protein function. In summary, the available evidence is currently insufficient to determine the role of this variant in disease. Therefore, it has been classified as a Variant of Uncertain Significance.

NM_015512.5(DNAH1):c.2809A>G (p.Lys937Glu)

Gene: DNAH1 (dynein axonemal heavy chain 1; plus strand). Cytogenetic location: 3p21.1.
Variant type: single nucleotide variant.
Coding change: c.2809A>G on transcript NM_015512.5 (MANE Select); coding-DNA position 2809, A replaced by G.
Protein change: p.Lys937Glu; replaces lysine 937 with glutamic acid.
Molecular consequence: missense variant.
Genome position (GRCh38, 1-based): chr3:52,352,041, A>G. VCF-style: chr3-52352041-A-G. GRCh37 (hg19) VCF-style: chr3-52386057-A-G.
Other names: short protein forms K937E.
Identifiers: ClinVar variation 2035175 (VCV002035175.1), dbSNP rs756003509, ClinGen allele CA2433393.